The following is an entry in ClinVar:

NM_006514.4(SCN10A):c.12dup (p.Ile5fs)

Gene: SCN10A (sodium voltage-gated channel alpha subunit 10; minus strand). Cytogenetic location: 3p22.2.
Variant type: Duplication.
Coding change: c.12dup on transcript NM_006514.4 (MANE Select); coding-DNA position 12, one base duplicated (C; older notation c.12dupC).
Protein change: p.Ile5fs; shifts the reading frame from isoleucine 5.
Molecular consequence: frameshift variant.
Genome position (GRCh38, 1-based): chr3:38,793,999, G duplicated on the plus strand (C on the coding strand, the reverse complement: SCN10A is on the minus strand); the first of 4 consecutive G bases (chr3:38,793,999-38,794,002); duplicating any one gives the same sequence. VCF-style (leftmost placement, unchanged base first): chr3-38793998-T-TG. GRCh37 (hg19) VCF-style: chr3-38835489-T-TG.
Other names: c.12dup, p.Ile5fs (NM_001293306.2, NM_001293307.2); c.12dupC (NM_006514.4); short protein forms I5fs.
Identifiers: ClinVar variation 3600301 (VCV003600301.1).

ClinVar aggregate classification (germline): Uncertain significance (1 of 4 stars; one submission).

Submission:

Clinical Genomics Laboratory, Stanford Medicine
Classification: Uncertain significance. Last evaluated: 2023-10-10. Review status: criteria provided, single submitter. Criteria: ACMG Guidelines, 2015. Collection method: clinical testing. Allele origin: germline. Observed: 1 variant allele, 1 heterozygote.
Comment: The p.Ile5Hisfs*7 variant in the SCN10A gene has not been previously reported in association with disease. This variant was absent from large population databases, including the Genome Aggregation Database. This variant results in a 1 bp duplication in exon 2 of 28 exons, causing a shift in the protein reading frame and leading to a premature termination codon 7 amino acids downstream, and is therefore predicted to undergo nonsense-mediated decay resulting in a truncated or absent protein. Loss-of-function is not currently an established mechanism of disease for the SCN10A gene. These data were assessed using the ACMG/AMP variant interpretation guidelines. In summary, the significance of the p.Ile5Hisfs*7 variant is uncertain. Additional information is needed to resolve the significance of this variant. [ACMG evidence codes used: PM2]